The following is an entry in ClinVar:

NM_001375524.1(TRRAP):c.5381A>G (p.Lys1794Arg)

Gene: TRRAP (transformation/transcription domain associated protein; plus strand). Cytogenetic location: 7q22.1.
Variant type: single nucleotide variant.
Coding change: c.5381A>G on transcript NM_001375524.1 (MANE Select); coding-DNA position 5381, A replaced by G.
Protein change: p.Lys1794Arg; replaces lysine 1794 with arginine.
Molecular consequence: missense variant.
Genome position (GRCh38, 1-based): chr7:98,950,922, A>G. VCF-style: chr7-98950922-A-G. GRCh37 (hg19) VCF-style: chr7-98548545-A-G.
Other names: c.5360A>G, p.Lys1787Arg (NM_001244580.2); c.5306A>G, p.Lys1769Arg (NM_003496.4); c.5306A>G (NM_003496.3); short protein forms K1794R, K1769R, K1787R.
Identifiers: ClinVar variation 2596428 (VCV002596428.5), dbSNP rs1333016292, ClinGen allele CA368318354.

ClinVar aggregate classification (germline): Conflicting classifications of pathogenicity. Review status: criteria provided, conflicting classifications (1 of 4 stars). 3 submissions from 3 submitters: Uncertain significance (2); Likely benign (1). Last evaluated 2026-03-16.

Conditions:
Inborn genetic diseases. Identifiers: MedGen C0950123, MeSH D030342.

Allele frequency attached by ClinVar (database versions not stated): gnomAD 0.00001; gnomAD exomes 0.00001; TOPMed 0.00001.
gnomAD v4.1: 15 of 1,603,888 alleles (0.00094%); highest among the groups gnomAD compares: African/African-American, 0.0013%; no homozygotes.

Submissions (3):

GeneDx
Classification: Uncertain significance. Last evaluated: 2026-03-16. Review status: criteria provided, single submitter. Criteria: GeneDx Variant Classification Process June 2021. Collection method: clinical testing. Allele origin: germline.
Comment: Reported in a family with autosomal dominant non-syndromic hearing loss; however, additional features associated with a TRRAP-related disorder were not reported (PMID: 40004049); In silico analysis suggests that this missense variant does not alter protein structure/function; This variant is associated with the following publications: (PMID: 40004049)

Labcorp Genetics (formerly Invitae), Labcorp
Classification: Likely benign. Last evaluated: 2025-02-24. Review status: criteria provided, single submitter. Criteria: Invitae Variant Classification Sherloc (09022015). Collection method: clinical testing. Allele origin: germline.

Ambry Genetics
Classification: Uncertain significance for Inborn genetic diseases. Last evaluated: 2023-08-24. Review status: criteria provided, single submitter. Criteria: Ambry Variant Classification Scheme 2023. Collection method: clinical testing. Allele origin: germline.